The following is an entry in ClinVar:

NM_152564.5(VPS13B):c.8859del (p.Arg2954fs)

Gene: VPS13B (vacuolar protein sorting 13 homolog B; plus strand). Cytogenetic location: 8q22.2.
Variant type: Deletion.
Coding change: c.8859del on transcript NM_152564.5 (MANE Select); coding-DNA position 8859, one base deleted (T; older notation c.8859delT).
Protein change: p.Arg2954fs; shifts the reading frame from arginine 2954.
Molecular consequence: frameshift variant.
Genome position (GRCh38, 1-based): chr8:99,819,987, T deleted; the last of 2 consecutive T bases (chr8:99,819,986-99,819,987); deleting either gives the same sequence. VCF-style (leftmost placement, unchanged base first): chr8-99819985-GT-G. GRCh37 (hg19) VCF-style: chr8-100832213-GT-G.
Other names: c.8934del, p.Arg2979fs (NM_017890.5); short protein forms R2954fs, R2979fs.
Identifiers: ClinVar variation 4857692 (VCV004857692.1).

ClinVar aggregate classification (germline): Pathogenic (1 of 4 stars; one submission).

Conditions:
Cohen syndrome (COH1). Also called: PEPPER SYNDROME; Cutis verticis gyrata, retinitis pigmentosa, and sensorineural deafness. Identifiers: Orphanet 193, MedGen C0265223, MONDO:0008999, OMIM 216550.

Submission:

Center for Human Genetics and Genomic Medicine, Uniklinik Rwth Aachen
Classification: Pathogenic for Cohen syndrome. Last evaluated: 2026-06-16. Review status: criteria provided, single submitter. Criteria: ACMG Guidelines, 2015. Collection method: clinical testing. Allele origin: maternal. Inheritance: Autosomal recessive inheritance. Affected: yes. Observed: 1 variant allele, 1 compound heterozygote.
Comment: To date, this variant has not been detected in the general population (gnomAD v4.1.0) (June 8, 2026, PM2_supporting). The variant represents a frameshift mutation followed by a stop codon. This typically leads either to premature termination of translation or to so-called “nonsense-mediated mRNA decay.” In both cases, this results in a loss of protein function (“loss-of-function,” PVS1).